The following is an entry in ClinVar:

ClinVar aggregate classification (germline): Likely pathogenic (1 of 4 stars; one submission).

Submission:

Labcorp Genetics (formerly Invitae), Labcorp
Classification: Likely pathogenic. Last evaluated: 2020-10-01. Review status: criteria provided, single submitter. Criteria: Invitae Variant Classification Sherloc (09022015). Collection method: clinical testing. Allele origin: germline.
Comment: Donor and acceptor splice site variants typically lead to a loss of protein function (PMID: 16199547), and loss-of-function variants in LOXHD1 are known to be pathogenic (PMID: 19732867, 21465660, 25792669). Algorithms developed to predict the effect of sequence changes on RNA splicing suggest that this variant may disrupt the consensus splice site, but this prediction has not been confirmed by published transcriptional studies. Disruption of this splice site has been observed in individual(s) with nonsyndromic deafness (PMID: 32149082). This variant is not present in population databases (ExAC no frequency). This sequence change affects an acceptor splice site in intron 5 of the LOXHD1 gene. It is expected to disrupt RNA splicing and likely results in an absent or disrupted protein product. In summary, the currently available evidence indicates that the variant is pathogenic, but additional data are needed to prove that conclusively. Therefore, this variant has been classified as Likely Pathogenic.

Literature cited by the submitters: PubMed 16199547; PubMed 19732867; PubMed 21465660; PubMed 25792669; PubMed 32149082.

NM_001384474.1(LOXHD1):c.611-2A>C

Gene: LOXHD1 (lipoxygenase homology PLAT domains 1; minus strand). Cytogenetic location: 18q21.1.
Variant type: single nucleotide variant.
Coding change: c.611-2A>C on transcript NM_001384474.1 (MANE Select); the canonical splice acceptor site of the intron before coding-DNA position 611, A replaced by C.
Molecular consequence: splice acceptor variant.
Genome position (GRCh38, 1-based): chr18:46,610,926, T>G on the plus strand (A>C on the coding strand, the complement: LOXHD1 is on the minus strand). VCF-style: chr18-46610926-T-G. GRCh37 (hg19) VCF-style: chr18-44190889-T-G.
Other names: c.611-2A>C (NM_144612.7).
Identifiers: ClinVar variation 1067598 (VCV001067598.9), dbSNP rs1287270284, ClinGen allele CA402387712.